The following is an entry in ClinVar:

ClinVar aggregate classification (germline): Likely pathogenic (1 of 4 stars; one submission).

Submissions (2):

GeneDx
Classification: Likely pathogenic. Last evaluated: 2024-07-26. Review status: criteria provided, single submitter. Criteria: GeneDx Variant Classification Process June 2021. Collection method: clinical testing. Allele origin: germline. Affected: yes.
Comment: Not observed at significant frequency in large population cohorts (gnomAD); In silico analysis indicates that this missense variant does not alter protein structure/function; Has not been previously published as pathogenic or benign to our knowledge

Dr. Peter K. Rogan Lab, Western University
No classification provided (evidence only). Condition: Thyroid cancer, nonmedullary, 1. Review status: no classification provided. Collection method: in vitro. Allele origin: not applicable. Functional consequence: retained intron. Not counted in ClinVar's aggregate classification.

NM_031407.7(HUWE1):c.9774C>A (p.Ser3258Arg)

Gene: HUWE1 (HECT, UBA and WWE domain containing E3 ubiquitin protein ligase 1; minus strand). Cytogenetic location: Xp11.22.
Variant type: single nucleotide variant.
Coding change: c.9774C>A on transcript NM_031407.7 (MANE Select); coding-DNA position 9774, C replaced by A.
Protein change: p.Ser3258Arg; replaces serine 3258 with arginine.
Molecular consequence: missense variant.
Genome position (GRCh38, 1-based): chrX:53,549,220, G>T on the plus strand (C>A on the coding strand, the complement: HUWE1 is on the minus strand). VCF-style: chrX-53549220-G-T. GRCh37 (hg19) VCF-style: chrX-53576181-G-T.
Other names: NC_000023.10:g.53576181G>T; short protein forms S3258R.
Identifiers: ClinVar variation 3602192 (VCV003602192.2).